The following is an entry in ClinVar:

ClinVar aggregate classification (germline): Uncertain significance (1 of 4 stars; one submission).

Submission:

Labcorp Genetics (formerly Invitae), Labcorp
Classification: Uncertain significance. Last evaluated: 2025-06-09. Review status: criteria provided, single submitter. Criteria: Invitae Variant Classification Sherloc (09022015). Collection method: clinical testing. Allele origin: germline.
Comment: This sequence change replaces glycine, which is neutral and non-polar, with tryptophan, which is neutral and slightly polar, at codon 758 of the MTOR protein (p.Gly758Trp). This variant is not present in population databases (gnomAD no frequency). This variant has not been reported in the literature in individuals affected with MTOR-related conditions. Invitae Evidence Modeling of protein sequence and biophysical properties (such as structural, functional, and spatial information, amino acid conservation, physicochemical variation, residue mobility, and thermodynamic stability) indicates that this missense variant is not expected to disrupt MTOR protein function with a negative predictive value of 95%. In summary, the available evidence is currently insufficient to determine the role of this variant in disease. Therefore, it has been classified as a Variant of Uncertain Significance.

NM_004958.4(MTOR):c.2272G>T (p.Gly758Trp)

Gene: MTOR (mechanistic target of rapamycin kinase; minus strand). Cytogenetic location: 1p36.22.
Variant type: single nucleotide variant.
Coding change: c.2272G>T on transcript NM_004958.4 (MANE Select); coding-DNA position 2272, G replaced by T.
Protein change: p.Gly758Trp; replaces glycine 758 with tryptophan.
Molecular consequence: missense variant.
Genome position (GRCh38, 1-based): chr1:11,234,202, C>A on the plus strand (G>T on the coding strand, the complement: MTOR is on the minus strand). VCF-style: chr1-11234202-C-A. GRCh37 (hg19) VCF-style: chr1-11294259-C-A.
Other names: c.2272G>T, p.Gly758Trp (NM_001386500.1); c.1024G>T, p.Gly342Trp (NM_001386501.1); short protein forms G342W, G758W.
Identifiers: ClinVar variation 4799845 (VCV004799845.1).